The following is an entry in ClinVar:

ClinVar aggregate classification (germline): Uncertain significance (1 of 4 stars; one submission).

Submission:

Ambry Genetics
Classification: Uncertain significance. Last evaluated: 2024-07-15. Review status: criteria provided, single submitter. Criteria: Ambry Variant Classification Scheme 2023. Collection method: clinical testing. Allele origin: germline.
Comment: The p.V1269L variant (also known as c.3805G>T), located in coding exon 34 of the KIF1B gene, results from a G to T substitution at nucleotide position 3805. The valine at codon 1269 is replaced by leucine, an amino acid with highly similar properties. This amino acid position is conserved. In addition, this alteration is predicted to be deleterious by in silico analysis. Based on the available evidence, the clinical significance of this variant remains unclear.

NM_001365951.3(KIF1B):c.3943G>T (p.Val1315Leu)

Gene: KIF1B (kinesin family member 1B; plus strand). Cytogenetic location: 1p36.22.
Variant type: single nucleotide variant.
Coding change: c.3943G>T on transcript NM_001365951.3 (MANE Select); coding-DNA position 3943, G replaced by T.
Protein change: p.Val1315Leu; replaces valine 1315 with leucine.
Molecular consequence: missense variant.
Genome position (GRCh38, 1-based): chr1:10,348,727, G>T. VCF-style: chr1-10348727-G-T. GRCh37 (hg19) VCF-style: chr1-10408785-G-T.
Other names: c.3943G>T, p.Val1315Leu (NM_001365952.1); c.3805G>T, p.Val1269Leu (NM_015074.3); short protein forms V1315L, V1269L.
Identifiers: ClinVar variation 3533934 (VCV003533934.1).